The following is an entry in ClinVar:

NM_022124.6(CDH23):c.3764A>T (p.Lys1255Met)

Genes: C10orf105 (chromosome 10 open reading frame 105; minus strand), CDH23 (cadherin related 23; plus strand). Cytogenetic location: 10q22.1.
Variant type: single nucleotide variant.
Coding change: c.3764A>T on transcript NM_022124.6 (MANE Select); coding-DNA position 3764, A replaced by T.
Protein change: p.Lys1255Met; replaces lysine 1255 with methionine.
Molecular consequence: missense variant. On other transcripts: intron variant (1).
Genome position (GRCh38, 1-based): chr10:71,732,035, A>T. VCF-style: chr10-71732035-A-T. GRCh37 (hg19) VCF-style: chr10-73491792-A-T.
Other names: c.3764A>T, p.Lys1255Met (NM_001171930.2); c.-6+5693T>A (NM_001168390.2); short protein forms K1255M.
Identifiers: ClinVar variation 426618 (VCV000426618.12), dbSNP rs372158876, ClinGen allele CA5544845.
Genomic context (GRCh38, chr10:71,732,035, plus strand): 5'-GTCCTCCTACAGGGGATGGTGGCCTGGTGAACTACCGCATCCTGTCGGGCGCAGAGGGGA[A>T]GTTTGAGATTGACGAGAGCACAGGGCTTATCATCACCGTGAATTACCTGGACTACGAGAC-3'
Protein context (NP_071407.4, residues 1245-1265): NYRILSGAEG[Lys1255Met]FEIDESTGLI

ClinVar aggregate classification (germline): Conflicting classifications of pathogenicity. Review status: criteria provided, conflicting classifications (1 of 4 stars). 5 submissions from 5 submitters: Uncertain significance (3); Likely benign (1). 1 of the submissions does not count toward it. Last evaluated 2026-01-17.

Conditions:
Inborn genetic diseases. Identifiers: MedGen C0950123, MeSH D030342.
Usher syndrome type 1 (USH1). Also called: RETINITIS PIGMENTOSA AND CONGENITAL DEAFNESS. Identifiers: Orphanet 231169, Orphanet 886, MedGen C1568247, MONDO:0010168, OMIM 276900.

Allele frequency attached by ClinVar (database versions not stated): gnomAD 0.00013 and 0.00010; gnomAD exomes 0.00024; 1000 Genomes Project 30x 0.00031; ESP Exome Variant Server 0.00008; ExAC 0.00022; TOPMed 0.00007; 1000 Genomes Project 0.00040.
gnomAD v4.1: 333 of 1,613,998 alleles (0.021%); highest among the groups gnomAD compares: South Asian, 0.14%; 1 homozygote.

Submissions (5):

Labcorp Genetics (formerly Invitae), Labcorp
Classification: Likely benign. Last evaluated: 2026-01-17. Review status: criteria provided, single submitter. Criteria: Invitae Variant Classification Sherloc (09022015). Collection method: clinical testing. Allele origin: germline.

Ambry Genetics
Classification: Uncertain significance for Inborn genetic diseases. Last evaluated: 2025-05-13. Review status: criteria provided, single submitter. Criteria: Ambry Variant Classification Scheme 2023. Collection method: clinical testing. Allele origin: germline.

Blueprint Genetics
Classification: Uncertain significance. Last evaluated: 2023-04-17. Review status: criteria provided, single submitter. Criteria: ACMG Guidelines, 2015. Collection method: clinical testing. Allele origin: germline.

GeneDx
Classification: Uncertain significance. Last evaluated: 2017-04-11. Review status: criteria provided, single submitter. Criteria: GeneDx Variant Classification (06012015). Collection method: clinical testing. Allele origin: germline. Affected: yes.
Comment: The K1255M variant in the CDH23 gene has not been reported previously as a pathogenic variant, nor as a benign variant, to our knowledge. The K1255M variant is observed in 19/16366 (0.11%) alleles from individuals of South Asian background in the ExAC dataset (Lek et al., 2016). The K1255M variant is a non-conservative amino acid substitution, which is likely to impact secondary protein structure as these residues differ in polarity, charge, size and/or other properties. This substitution occurs at a position that is conserved across species. However, in silico analysis is inconsistent in its predictions as to whether or not the variant is damaging to the protein structure/function. We interpret K1255M as a variant of uncertain significance.

Natera, Inc.
Classification: Uncertain significance for Usher syndrome type 1. Last evaluated: 2019-10-28. Review status: no assertion criteria provided. Collection method: clinical testing. Allele origin: germline. Not counted in ClinVar's aggregate classification.